The following is an entry in ClinVar:

ClinVar aggregate classification (germline): Benign/Likely benign. Review status: criteria provided, multiple submitters, no conflicts (2 of 4 stars). 3 submissions from 3 submitters: Benign (1); Likely benign (1). 1 of the submissions does not count toward it. Last evaluated 2025-04-23.

Conditions:
GPR179-related disorder. Also called: GPR179-related condition.

Allele frequency attached by ClinVar (database versions not stated): gnomAD 0.00005 and 0.00015; TOPMed 0.00006; gnomAD exomes 0.00022 and 0.00051; ExAC 0.00059; 1000 Genomes Project 30x 0.00078; 1000 Genomes Project 0.00100.
gnomAD v4.1: 343 of 1,606,220 alleles (0.021%); highest among the groups gnomAD compares: South Asian, 0.34%; 4 homozygotes.

Submissions (3):

Labcorp Genetics (formerly Invitae), Labcorp
Classification: Likely benign. Last evaluated: 2025-04-23. Review status: criteria provided, single submitter. Criteria: Invitae Variant Classification Sherloc (09022015). Collection method: clinical testing. Allele origin: germline.

Blueprint Genetics
Classification: Benign. Last evaluated: 2024-11-26. Review status: criteria provided, single submitter. Criteria: ACMG Guidelines, 2015. Collection method: clinical testing. Allele origin: germline.

PreventionGenetics, part of Exact Sciences
Classification: Likely benign for GPR179-related condition. Last evaluated: 2022-02-24. Review status: no assertion criteria provided. Collection method: clinical testing. Allele origin: germline. Not counted in ClinVar's aggregate classification.
Comment: This variant is classified as likely benign based on ACMG/AMP sequence variant interpretation guidelines (Richards et al. 2015 PMID: 25741868, with internal and published modifications).

NM_001004334.4(GPR179):c.3287G>A (p.Arg1096His)

Gene: GPR179 (G protein-coupled receptor 179; minus strand). Cytogenetic location: 17q12.
Variant type: single nucleotide variant.
Coding change: c.3287G>A on transcript NM_001004334.4 (MANE Select); coding-DNA position 3287, G replaced by A.
Protein change: p.Arg1096His; replaces arginine 1096 with histidine.
Molecular consequence: missense variant.
Genome position (GRCh38, 1-based): chr17:38,330,282, C>T on the plus strand (G>A on the coding strand, the complement: GPR179 is on the minus strand). VCF-style: chr17-38330282-C-T. GRCh37 (hg19) VCF-style: chr17-36486165-C-T.
Other names: c.3287G>A (NM_001004334.3); short protein forms R1096H.
Identifiers: ClinVar variation 1643104 (VCV001643104.11), dbSNP rs574323993, ClinGen allele CA290105259.